The following is an entry in ClinVar:

ClinVar aggregate classification (germline): Uncertain significance (1 of 4 stars; one submission).

Conditions:
Inborn genetic diseases. Identifiers: MedGen C0950123, MeSH D030342.

gnomAD v4.1: 1 of 1,614,138 alleles (0.000062%); highest among the groups gnomAD compares: Non-Finnish European, 0.000085%; no homozygotes.

Submission:

Ambry Genetics
Classification: Uncertain significance for Inborn genetic diseases. Last evaluated: 2025-08-29. Review status: criteria provided, single submitter. Criteria: Ambry Variant Classification Scheme 2023. Collection method: clinical testing. Allele origin: germline.
Comment: The p.K133E variant (also known as c.397A>G), located in coding exon 1 of the SAMD9 gene, results from an A to G substitution at nucleotide position 397. The lysine at codon 133 is replaced by glutamic acid, an amino acid with similar properties. This amino acid position is conserved. In addition, this alteration is predicted to be tolerated by in silico analysis. Based on the available evidence, the clinical significance of this variant remains unclear.

NM_017654.4(SAMD9):c.397A>G (p.Lys133Glu)

Gene: SAMD9 (sterile alpha motif domain containing 9; minus strand). Cytogenetic location: 7q21.2.
Variant type: single nucleotide variant.
Coding change: c.397A>G on transcript NM_017654.4 (MANE Select); coding-DNA position 397, A replaced by G.
Protein change: p.Lys133Glu; replaces lysine 133 with glutamic acid.
Molecular consequence: missense variant.
Genome position (GRCh38, 1-based): chr7:93,105,701, T>C on the plus strand (A>G on the coding strand, the complement: SAMD9 is on the minus strand). VCF-style: chr7-93105701-T-C. GRCh37 (hg19) VCF-style: chr7-92735014-T-C.
Other names: c.397A>G, p.Lys133Glu (NM_001193307.2); short protein forms K133E.
Identifiers: ClinVar variation 4159193 (VCV004159193.1).
Genomic context (GRCh38, chr7:93,105,701, plus strand): 5'-TTTCCTTTGTATAATCTATTTTATCTTCTATGAGCTCAACTTTTAGTGACTTAGAACCTT[T>C]AGCAGTTGTACTCATTGCAGACGGATTAGCCATATCTGGGTTCTCTTTACCCTTTTGTTT-3'
Protein context (NP_060124.2, residues 123-143): ANPSAMSTTA[Lys133Glu]GSKSLKVELI